The following is an entry in ClinVar:

NM_015202.5(KATNIP):c.922C>T (p.Gln308Ter)

Gene: KATNIP (katanin interacting protein; plus strand). Cytogenetic location: 16p12.1.
Variant type: single nucleotide variant.
Coding change: c.922C>T on transcript NM_015202.5 (MANE Select); coding-DNA position 922, C replaced by T.
Protein change: p.Gln308Ter; replaces glutamine 308 with a stop codon.
Molecular consequence: nonsense.
Genome position (GRCh38, 1-based): chr16:27,681,512, C>T. VCF-style: chr16-27681512-C-T. GRCh37 (hg19) VCF-style: chr16-27692833-C-T.
Other names: c.922C>T (NM_015202.3); short protein forms Q308*.
Identifiers: ClinVar variation 2501211 (VCV002501211.3), dbSNP rs145247651, ClinGen allele CA279756568.
Genomic context (GRCh38, chr16:27,681,512, plus strand): 5'-TTCGTTCCCACCAAACCTGAGCCAAACCTGACTCCCCAAGCTCCTGCTGTATTCCCAGAC[C>T]AGGAGAGGATGTGCTCCAGTAAGAGTTCCGGGGGCCCCTGAGCAGGGGAGCAGGGCTGCG-3'

ClinVar aggregate classification (germline): Likely pathogenic. Review status: criteria provided, multiple submitters, no conflicts (2 of 4 stars). 3 submissions from 3 submitters: Likely pathogenic (3). Last evaluated 2026-04-11.

Conditions:
Joubert syndrome 26 (JBTS26). Identifiers: Orphanet 475, MedGen C4084843, MONDO:0014771, OMIM 616784.
KIAA0556-related disorders.

Allele frequency attached by ClinVar (database versions not stated): gnomAD exomes below 0.00001; ESP Exome Variant Server 0.00008; TOPMed 0.00003; gnomAD 0.00004.
gnomAD v4.1: 12 of 1,614,088 alleles (0.00074%); highest among the groups gnomAD compares: Non-Finnish European, 0.00093%; no homozygotes.

Submissions (3):

GeneDx
Classification: Likely pathogenic. Last evaluated: 2026-04-11. Review status: criteria provided, single submitter. Criteria: GeneDx Variant Classification Process June 2021. Collection method: clinical testing. Allele origin: germline.
Comment: Reported as heterozygous in a patient with spinocerebellar ataxia/hereditary spastic paraplegia, progressive cerebellar atrophy, and intellectual disability. However, no second KATNIP variant was identified and the patient carried variants in additional genes (PMID: 37575640); Nonsense variant predicted to result in protein truncation or nonsense mediated decay in a gene for which loss of function is a known mechanism of disease; Not observed at significant frequency in large population cohorts (gnomAD); This variant is associated with the following publications: (PMID: 37575640)

Women's Health and Genetics/Laboratory Corporation of America, LabCorp
Classification: Likely pathogenic for Joubert syndrome 26. Last evaluated: 2023-03-28. Review status: criteria provided, single submitter. Criteria: LabCorp Variant Classification Summary - May 2015. Collection method: clinical testing. Allele origin: germline.
Comment: Variant summary: KIAA0556, also known as KATNIP, c.922C>T (p.Gln308X) results in a premature termination codon, predicted to cause a truncation of the encoded protein or absence of the protein due to nonsense mediated decay, which are commonly known mechanisms for disease. The variant allele was found at a frequency of 4e-06 in 251392 control chromosomes (gnomAD). To our knowledge, no occurrence of c.922C>T in individuals affected with Joubert Syndrome 26 and no experimental evidence demonstrating its impact on protein function have been reported. No clinical diagnostic laboratories have submitted clinical-significance assessments for this variant to ClinVar after 2014. Based on the evidence outlined above, the variant was classified as likely pathogenic.

Blueprint Genetics
Classification: Likely pathogenic for KIAA0556-related disorders. Last evaluated: 2022-08-23. Review status: criteria provided, single submitter. Criteria: ACMG Guidelines, 2015. Collection method: clinical testing. Allele origin: germline. Affected: yes. Observed: 2 variant alleles.